The following is an entry in ClinVar:

NM_005633.4(SOS1):c.985G>A (p.Glu329Lys)

Gene: SOS1 (SOS Ras/Rac guanine nucleotide exchange factor 1; minus strand). Cytogenetic location: 2p22.1.
Variant type: single nucleotide variant.
Coding change: c.985G>A on transcript NM_005633.4 (MANE Select); coding-DNA position 985, G replaced by A.
Protein change: p.Glu329Lys; replaces glutamic acid 329 with lysine.
Molecular consequence: missense variant.
Genome position (GRCh38, 1-based): chr2:39,035,301, C>T on the plus strand (G>A on the coding strand, the complement: SOS1 is on the minus strand). VCF-style: chr2-39035301-C-T. GRCh37 (hg19) VCF-style: chr2-39262442-C-T.
Other names: c.964G>A, p.Glu322Lys (NM_001382394.1); c.985G>A, p.Glu329Lys (NM_001382395.1); short protein forms E329K, E322K.
Identifiers: ClinVar variation 543987 (VCV000543987.16), dbSNP rs756679265, ClinGen allele CA1624667.

ClinVar aggregate classification (germline): Uncertain significance. Review status: criteria provided, multiple submitters, no conflicts (2 of 4 stars). 8 submissions from 7 submitters: Uncertain significance (8). Last evaluated 2026-09-25.

Conditions:
Cardiovascular phenotype. Identifiers: MedGen CN230736.
SOS1-related disorder. Also called: SOS1-related condition.
Fibromatosis, gingival, 1 (GINGF1). Identifiers: Orphanet 2024, MedGen C4551558, MONDO:0007609, OMIM 135300.
Noonan syndrome 4 (NS4). Also called: NOONAN SYNDROME WITH PIGMENTED VILLONODULAR SYNOVITIS; SOS1-Related Noonan Syndrome. Identifiers: Orphanet 648, MedGen C1853120, MONDO:0012547, OMIM 610733.
RASopathy. Also called: Noonan spectrum disorder; rasopathies. Identifiers: Orphanet 536391, MedGen C5555857, MONDO:0021060.

Allele frequency attached by ClinVar (database versions not stated): gnomAD exomes below 0.00001 and 0.00001; ExAC 0.00001; gnomAD 0.00001; TOPMed 0.00001.
gnomAD v4.1: 11 of 1,613,194 alleles (0.00068%); highest among the groups gnomAD compares: Admixed American, 0.0017%; no homozygotes.

Submissions (8):

PreventionGenetics, part of Exact Sciences
Classification: Uncertain significance for SOS1-related condition. Last evaluated: 2026-09-25. Review status: criteria provided, single submitter. Criteria: ACMG Guidelines, 2015. Collection method: clinical testing. Allele origin: germline.
Comment: The SOS1 c.985G>A variant is predicted to result in the amino acid substitution p.Glu329Lys. This variant has been reported in an individual with RASopathy (Dementyeva et al. 2024. DOI: 10.1134/S1062360424700036). This variant has also been reported in an individual with clonal cytopenia of undetermined significance (Table S4, Molteni et al. 2023. PubMed ID: 37216690). This variant is reported in 0.0029% of alleles in individuals of Latino descent in gnomAD. At this time, the clinical significance of this variant is uncertain due to the absence of conclusive functional and genetic evidence.

Labcorp Genetics (formerly Invitae), Labcorp
Classification: Uncertain significance for RASopathy. Last evaluated: 2025-12-06. Review status: criteria provided, single submitter. Criteria: Invitae Variant Classification Sherloc (09022015). Collection method: clinical testing. Allele origin: germline.
Comment: This sequence change replaces glutamic acid, which is acidic and polar, with lysine, which is basic and polar, at codon 329 of the SOS1 protein (p.Glu329Lys). This variant is present in population databases (rs756679265, gnomAD 0.003%). This variant has not been reported in the literature in individuals affected with SOS1-related conditions. ClinVar contains an entry for this variant (Variation ID: 543987). Invitae Evidence Modeling of protein sequence and biophysical properties (such as structural, functional, and spatial information, amino acid conservation, physicochemical variation, residue mobility, and thermodynamic stability) indicates that this missense variant is expected to disrupt SOS1 protein function with a positive predictive value of 95%. In summary, the available evidence is currently insufficient to determine the role of this variant in disease. Therefore, it has been classified as a Variant of Uncertain Significance.

Women's Health and Genetics/Laboratory Corporation of America, LabCorp
Classification: Uncertain significance. Last evaluated: 2022-11-28. Review status: criteria provided, single submitter. Criteria: LabCorp Variant Classification Summary - May 2015. Collection method: clinical testing. Allele origin: germline.
Comment: Variant summary: SOS1 c.985G>A (p.Glu329Lys) results in a conservative amino acid change located in the Dbl homology (DH) domain (IPR000219) of the encoded protein sequence. Three of five in-silico tools predict a benign effect of the variant on protein function. The variant allele was found at a frequency of 4e-06 in 251070 control chromosomes (gnomAD). The available data on variant occurrences in the general population are insufficient to allow any conclusion about variant significance. To our knowledge, no occurrence of c.985G>A in individuals affected with Noonan Syndrome and no experimental evidence demonstrating its impact on protein function have been reported. Two ClinVar submitters (evaluation after 2014) cite this variant as uncertain significance. Based on the evidence outlined above, the variant was classified as uncertain significance.

Blueprint Genetics
Classification: Uncertain significance. Last evaluated: 2022-06-24. Review status: criteria provided, single submitter. Criteria: ACMG Guidelines, 2015. Collection method: clinical testing. Allele origin: germline.

Ambry Genetics
Classification: Uncertain significance for Cardiovascular phenotype. Last evaluated: 2021-10-26. Review status: criteria provided, single submitter. Criteria: Ambry Variant Classification Scheme 2023. Collection method: clinical testing. Allele origin: germline.

Institute of Human Genetics, University of Goettingen
Classification: Uncertain significance for Noonan syndrome 4. Last evaluated: 2019-12-23. Review status: criteria provided, single submitter. Criteria: ACMG Guidelines, 2015. Collection method: clinical testing. Allele origin: unknown. Inheritance: Autosomal dominant inheritance. Observed: 1 heterozygote.
Comment: At this moment there is no indication from the present literature, that this variant is pathogenic, but also vice versa there is no indication, that this variant is a mere rare polymorphism. Thus, we considered this variant to be a variant of unknown significance, with possibly benign character.

Genome-Nilou Lab
Classification: Uncertain significance for Noonan syndrome 4. Review status: criteria provided, single submitter. Criteria: ACMG Guidelines, 2015. Collection method: clinical testing. Allele origin: germline.

Genome-Nilou Lab
Classification: Uncertain significance for Fibromatosis, gingival, 1. Review status: criteria provided, single submitter. Criteria: ACMG Guidelines, 2015. Collection method: clinical testing. Allele origin: germline.

Literature cited by the submitters: PubMed 33848766 (cited by Women's Health and Genetics/Laboratory Corporation of America, LabCorp).